The following is an entry in ClinVar:

ClinVar aggregate classification (germline): Pathogenic (1 of 4 stars; one submission).

Conditions:
Polycystic kidney disease, adult type (PKD1). Also called: POLYCYSTIC KIDNEY DISEASE 1 WITH OR WITHOUT POLYCYSTIC LIVER DISEASE; POLYCYSTIC KIDNEY DISEASE, ADULT, TYPE I; Polycystic Kidney Disease 1, Autosomal Dominant; Polycystic kidney disease 1; Polycystic kidney disease 1, severe; Polycystic Kidney, Autosomal Dominant. Identifiers: MedGen C3149841, MONDO:0008263, OMIM 173900.

gnomAD v4.1: 1 of 1,612,494 alleles (0.000062%); highest among the groups gnomAD compares: Non-Finnish European, 0.000085%; no homozygotes.

Submission:

Women's Health and Genetics/Laboratory Corporation of America, LabCorp
Classification: Pathogenic for Polycystic kidney disease, adult type. Last evaluated: 2026-07-21. Review status: criteria provided, single submitter. Criteria: LabCorp Variant Classification Summary - May 2015. Collection method: clinical testing. Allele origin: germline.
Comment: Variant summary: PKD1 c.12060C>A (p.Cys4020X) results in a premature termination codon, predicted to cause a truncation of the encoded protein or absence of the protein due to nonsense mediated decay, which are commonly known mechanisms for disease. The variant was absent in 246758 control chromosomes. c.12060C>A has been observed in individual(s) affected with PKD1-related conditions (Oh_2021). To our knowledge, no experimental evidence demonstrating an impact on protein function has been reported. The following publication have been ascertained in the context of this evaluation (PMID: 33095447). No submitters have cited clinical-significance assessments for this variant to ClinVar. Based on the evidence outlined above, the variant was classified as pathogenic.

Literature cited by the submitters: PubMed 33095447.

NM_001009944.3(PKD1):c.12060C>A (p.Cys4020Ter)

Gene: PKD1 (polycystin 1, transient receptor potential channel interacting; minus strand). Cytogenetic location: 16p13.3.
Variant type: single nucleotide variant.
Coding change: c.12060C>A on transcript NM_001009944.3 (MANE Select); coding-DNA position 12060, C replaced by A.
Protein change: p.Cys4020Ter; replaces cysteine 4020 with a stop codon.
Molecular consequence: nonsense.
Genome position (GRCh38, 1-based): chr16:2,090,752, G>T on the plus strand (C>A on the coding strand, the complement: PKD1 is on the minus strand). VCF-style: chr16-2090752-G-T. GRCh37 (hg19) VCF-style: chr16-2140753-G-T.
Other names: c.12057C>A, p.Cys4019Ter (NM_000296.4); short protein forms C4019*, C4020*.
Identifiers: ClinVar variation 4887095 (VCV004887095.1).